The following is an entry in ClinVar:

NM_017886.4(ULK4):c.2272T>C (p.Tyr758His)

Gene: ULK4 (unc-51 like kinase 4; minus strand). Cytogenetic location: 3p22.1.
Variant type: single nucleotide variant.
Coding change: c.2272T>C on transcript NM_017886.4 (MANE Select); coding-DNA position 2272, T replaced by C.
Protein change: p.Tyr758His; replaces tyrosine 758 with histidine.
Molecular consequence: missense variant. On other transcripts: non-coding transcript variant (1).
Genome position (GRCh38, 1-based): chr3:41,754,410, A>G on the plus strand (T>C on the coding strand, the complement: ULK4 is on the minus strand). VCF-style: chr3-41754410-A-G. GRCh37 (hg19) VCF-style: chr3-41795902-A-G.
Other names: c.2272T>C, p.Tyr758His (NM_001322500.2); c.1366T>C, p.Tyr456His (NM_001322501.2); c.2272T>C (NM_017886.3); short protein forms Y758H, Y456H.
Identifiers: ClinVar variation 2221044 (VCV002221044.4), dbSNP rs200312148, ClinGen allele CA2331947.

ClinVar aggregate classification (germline): Uncertain significance. Review status: criteria provided, single submitter (1 of 4 stars). 2 submissions from 2 submitters: Uncertain significance (1). 1 of the submissions does not count toward it. Last evaluated 2024-01-09.

Conditions:
ULK4-related disorder. Also called: ULK4-related condition.

Allele frequency attached by ClinVar (database versions not stated): gnomAD 0.00048; ExAC 0.00065; TOPMed 0.00066; gnomAD exomes 0.00078; ESP Exome Variant Server 0.00110.
gnomAD v4.1: 1,204 of 1,613,754 alleles (0.075%); highest among the groups gnomAD compares: Middle Eastern, 0.18%; 2 homozygotes.

Submissions (2):

Ambry Genetics
Classification: Uncertain significance. Last evaluated: 2024-01-09. Review status: criteria provided, single submitter. Criteria: Ambry Variant Classification Scheme 2023. Collection method: clinical testing. Allele origin: germline.

PreventionGenetics, part of Exact Sciences
Classification: Likely benign for ULK4-related condition. Last evaluated: 2019-03-04. Review status: no assertion criteria provided. Collection method: clinical testing. Allele origin: germline. Not counted in ClinVar's aggregate classification.
Comment: This variant is classified as likely benign based on ACMG/AMP sequence variant interpretation guidelines (Richards et al. 2015 PMID: 25741868, with internal and published modifications).